The following is an entry in ClinVar:

NM_002887.4(RARS1):c.1452+1G>A

Gene: RARS1 (arginyl-tRNA synthetase 1; plus strand). Cytogenetic location: 5q34.
Variant type: single nucleotide variant.
Coding change: c.1452+1G>A on transcript NM_002887.4 (MANE Select); the canonical splice donor site of the intron after coding-DNA position 1452, G replaced by A.
Molecular consequence: splice donor variant.
Genome position (GRCh38, 1-based): chr5:168,510,687, G>A. VCF-style: chr5-168510687-G-A. GRCh37 (hg19) VCF-style: chr5-167937692-G-A.
Identifiers: ClinVar variation 871624 (VCV000871624.48), dbSNP rs1358682351, ClinGen allele CA362084028.

ClinVar aggregate classification (germline): Pathogenic/Likely pathogenic. Review status: criteria provided, multiple submitters, no conflicts (2 of 4 stars). 3 submissions from 3 submitters: Pathogenic (2); Likely pathogenic (1). Last evaluated 2024-08-06.

Conditions:
Leukodystrophy, hypomyelinating, 9. Identifiers: Orphanet 438114, MedGen C4015323, MONDO:0014506, OMIM 616140.

Allele frequency attached by ClinVar (database versions not stated): gnomAD 0.00001; gnomAD exomes 0.00001; TOPMed 0.00002.

Submissions (3):

Laboratorio de Genetica e Diagnostico Molecular, Hospital Israelita Albert Einstein
Classification: Pathogenic for Leukodystrophy, hypomyelinating, 9. Last evaluated: 2024-08-06. Review status: criteria provided, single submitter. Criteria: ACMG Guidelines, 2015. Collection method: clinical testing. Allele origin: germline. Affected: yes.
Comment: ACMG classification criteria: PVS1 very strong, PM2 moderate, PM3 moderate

Labcorp Genetics (formerly Invitae), Labcorp
Classification: Likely pathogenic. Last evaluated: 2022-06-07. Review status: criteria provided, single submitter. Criteria: Invitae Variant Classification Sherloc (09022015). Collection method: clinical testing. Allele origin: germline.
Comment: This sequence change affects a donor splice site in intron 12 of the RARS gene. It is expected to disrupt RNA splicing. Variants that disrupt the donor or acceptor splice site typically lead to a loss of protein function (PMID: 16199547), and loss-of-function variants in RARS are known to be pathogenic (PMID: 24777941). This variant is not present in population databases (gnomAD no frequency). Disruption of this splice site has been observed in individual(s) with hypomyelinating leukodystrophy (PMID: 31814314). ClinVar contains an entry for this variant (Variation ID: 871624). Algorithms developed to predict the effect of sequence changes on RNA splicing suggest that this variant may disrupt the consensus splice site. In summary, the currently available evidence indicates that the variant is pathogenic, but additional data are needed to prove that conclusively. Therefore, this variant has been classified as Likely Pathogenic.

CeGaT Center for Human Genetics Tuebingen
Classification: Pathogenic. Last evaluated: 2019-03-01. Review status: criteria provided, single submitter. Criteria: CeGaT Center For Human Genetics Tuebingen Variant Classification Criteria Version 2. Collection method: clinical testing. Allele origin: germline. Affected: yes. Observed: 2 variant alleles.

Literature cited by the submitters: PubMed 16199547 (cited by Labcorp Genetics (formerly Invitae), Labcorp); PubMed 24777941 (cited by Labcorp Genetics (formerly Invitae), Labcorp); PubMed 31814314 (cited by Labcorp Genetics (formerly Invitae), Labcorp).